The following is an entry in ClinVar:

NM_001042492.3(NF1):c.7145dup (p.Asn2383fs)

Gene: NF1 (neurofibromin 1; plus strand). Cytogenetic location: 17q11.2.
Variant type: Duplication.
Coding change: c.7145dup on transcript NM_001042492.3 (MANE Select); coding-DNA position 7145, one base duplicated (T; older notation c.7145dupT).
Protein change: p.Asn2383fs; shifts the reading frame from asparagine 2383.
Molecular consequence: frameshift variant.
Genome position (GRCh38, 1-based): chr17:31,343,091, T duplicated; the last of 3 consecutive T bases (chr17:31,343,089-31,343,091); duplicating any one gives the same sequence. VCF-style (leftmost placement, unchanged base first): chr17-31343088-A-AT. GRCh37 (hg19) VCF-style: chr17-29670106-A-AT.
Other names: c.7082dup, p.Asn2362fs (NM_000267.4); c.7082dupT (NM_000267.3); short protein forms N2383fs, N2362fs.
Identifiers: ClinVar variation 4615810 (VCV004615810.1).
Genomic context (GRCh38, chr17:31,343,088, plus strand): 5'-TGGCAATCCGGAATCCTCTGGAGTGGCACTGCAAGCAAATGGATCATTTTGTTGGACTCA[A>AT]TTTCAACTCTAACTTTAACTTTGCATTGGTTGGACACCTTTTAAAAGGTAAAAAAGCCTT-3'

ClinVar aggregate classification (germline): Pathogenic (1 of 4 stars; one submission).

Conditions:
Cardiovascular phenotype. Identifiers: MedGen CN230736.
Hereditary cancer-predisposing syndrome. Also called: Neoplastic Syndromes, Hereditary; Tumor predisposition; Hereditary Cancer Syndrome; Hereditary neoplastic syndrome. Identifiers: Orphanet 140162, MedGen C0027672, MeSH D009386, MONDO:0015356.

Submission:

Ambry Genetics
Classification: Pathogenic for Cardiovascular phenotype; Hereditary cancer-predisposing syndrome. Last evaluated: 2025-11-18. Review status: criteria provided, single submitter. Criteria: Ambry Variant Classification Scheme 2023. Collection method: clinical testing. Allele origin: germline.
Comment: The c.7082dupT pathogenic mutation, located in coding exon 47 of the NF1 gene, results from a duplication of T at nucleotide position 7082, causing a translational frameshift with a predicted alternate stop codon (p.N2362Qfs*3). This variant was reported as heterozygous in individual(s) with features consistent with Neurofibromatosis type 1 (Ambry internal data). This variant is considered to be rare based on population cohorts in the Genome Aggregation Database (gnomAD). This alteration is expected to result in loss of function by premature protein truncation or nonsense-mediated mRNA decay. As such, this alteration is interpreted as a disease-causing mutation.